The following is an entry in ClinVar:

ClinVar aggregate classification (germline): Pathogenic (1 of 4 stars; one submission).

Submission:

Labcorp Genetics (formerly Invitae), Labcorp
Classification: Pathogenic. Last evaluated: 2021-01-17. Review status: criteria provided, single submitter. Criteria: Invitae Variant Classification Sherloc (09022015). Collection method: clinical testing. Allele origin: germline.
Comment: This sequence change creates a premature translational stop signal (p.Glu968Asnfs*28) in the COL4A5 gene. It is expected to result in an absent or disrupted protein product. Loss-of-function variants in COL4A5 are known to be pathogenic (PMID: 9195222, 10752524, 14514738, 24854265, 26809805). This variant is not present in population databases (ExAC no frequency). This variant has not been reported in the literature in individuals with COL4A5-related conditions. For these reasons, this variant has been classified as Pathogenic.

Literature cited by the submitters: PubMed 9195222; PubMed 10752524; PubMed 14514738; PubMed 24854265; PubMed 26809805.

NM_033380.3(COL4A5):c.2902del (p.Glu968fs)

Gene: COL4A5 (collagen type IV alpha 5 chain; plus strand). Cytogenetic location: Xq22.3.
Variant type: Deletion.
Coding change: c.2902del on transcript NM_033380.3 (MANE Select); coding-DNA position 2902, one base deleted (G; older notation c.2902delG).
Protein change: p.Glu968fs; shifts the reading frame from glutamic acid 968.
Molecular consequence: frameshift variant.
Genome position (GRCh38, 1-based): chrX:108,622,810, G deleted; the last of 5 consecutive G bases (chrX:108,622,806-108,622,810); deleting any one gives the same sequence. VCF-style (leftmost placement, unchanged base first): chrX-108622805-AG-A. GRCh37 (hg19) VCF-style: chrX-107866035-AG-A.
Other names: c.2902del, p.Glu968fs (NM_000495.5); short protein forms E968fs.
Identifiers: ClinVar variation 1416594 (VCV001416594.6), dbSNP rs2147865884, ClinGen allele CA2573159093.
Genomic context (GRCh38, chrX:108,622,805, plus strand): 5'-CTGGCCTTCCAGGCCCTCCTGGACCAATGGATCCAAATCTTCTGGGCTCAAAAGGAGAGA[AG>A]GGGGAACCTGGCTTACCAGGTGAGTGAATGAATTTATTTATGAATATTTTTCCTGATATA-3'